The following is an entry in ClinVar:

NM_001367561.1(DOCK7):c.3409C>A (p.Pro1137Thr)

Gene: DOCK7 (dedicator of cytokinesis 7; minus strand). Cytogenetic location: 1p31.3.
Variant type: single nucleotide variant.
Coding change: c.3409C>A on transcript NM_001367561.1 (MANE Select); coding-DNA position 3409, C replaced by A.
Protein change: p.Pro1137Thr; replaces proline 1137 with threonine.
Molecular consequence: missense variant.
Genome position (GRCh38, 1-based): chr1:62,537,953, G>T on the plus strand (C>A on the coding strand, the complement: DOCK7 is on the minus strand). VCF-style: chr1-62537953-G-T. GRCh37 (hg19) VCF-style: chr1-63003624-G-T.
Other names: c.3409C>A, p.Pro1137Thr (NM_001271999.2, NM_001330614.2); c.3316C>A, p.Pro1106Thr (NM_001272000.2, NM_001272001.2, NM_033407.4); short protein forms P1106T, P1137T.
Identifiers: ClinVar variation 935816 (VCV000935816.7), dbSNP rs1005951699, ClinGen allele CA23740807.

ClinVar aggregate classification (germline): Uncertain significance (1 of 4 stars; one submission).

Conditions:
Developmental and epileptic encephalopathy, 23 (DEE23). Also called: Epileptic encephalopathy, early infantile, 23. Identifiers: Orphanet 411986, MedGen C4014492, MONDO:0014371, OMIM 615859.

Allele frequency attached by ClinVar (database versions not stated): gnomAD 0.00001 and 0.00003; gnomAD exomes 0.00001; TOPMed 0.00005.
gnomAD v4.1: 21 of 1,613,880 alleles (0.0013%); highest among the groups gnomAD compares: Non-Finnish European, 0.0018%; no homozygotes.

Submission:

Labcorp Genetics (formerly Invitae), Labcorp
Classification: Uncertain significance for Developmental and epileptic encephalopathy, 23. Last evaluated: 2022-10-05. Review status: criteria provided, single submitter. Criteria: Invitae Variant Classification Sherloc (09022015). Collection method: clinical testing. Allele origin: germline.
Comment: This sequence change replaces proline, which is neutral and non-polar, with threonine, which is neutral and polar, at codon 1137 of the DOCK7 protein (p.Pro1137Thr). The frequency data for this variant in the population databases is considered unreliable, as metrics indicate poor data quality at this position in the gnomAD database. This variant has not been reported in the literature in individuals affected with DOCK7-related conditions. ClinVar contains an entry for this variant (Variation ID: 935816). Advanced modeling of protein sequence and biophysical properties (such as structural, functional, and spatial information, amino acid conservation, physicochemical variation, residue mobility, and thermodynamic stability) has been performed at Invitae for this missense variant, however the output from this modeling did not meet the statistical confidence thresholds required to predict the impact of this variant on DOCK7 protein function. In summary, the available evidence is currently insufficient to determine the role of this variant in disease. Therefore, it has been classified as a Variant of Uncertain Significance.